The following is an entry in ClinVar:

ClinVar aggregate classification (germline): Uncertain significance. Review status: criteria provided, multiple submitters, no conflicts (2 of 4 stars). 2 submissions from 2 submitters: Uncertain significance (2). Last evaluated 2025-06-25.

Conditions:
Hereditary cancer-predisposing syndrome. Also called: Tumor predisposition; Hereditary neoplastic syndrome; Hereditary Cancer Syndrome; Neoplastic Syndromes, Hereditary. Identifiers: Orphanet 140162, MedGen C0027672, MeSH D009386, MONDO:0015356.
Haddad syndrome (OHD). Also called: Ondine-Hirschsprung disease. Identifiers: Orphanet 99803, MedGen C1859049, MONDO:0020493.

Submissions (2):

Ambry Genetics
Classification: Uncertain significance for Hereditary cancer-predisposing syndrome. Last evaluated: 2025-06-25. Review status: criteria provided, single submitter. Criteria: Ambry Variant Classification Scheme 2023. Collection method: clinical testing. Allele origin: germline.
Comment: The p.P220R variant (also known as c.659C>G), located in coding exon 3 of the PHOX2B gene, results from a C to G substitution at nucleotide position 659. The proline at codon 220 is replaced by arginine, an amino acid with dissimilar properties. This amino acid position is conserved. In addition, this alteration is predicted to be tolerated by in silico analysis. Since supporting evidence is limited at this time, the clinical significance of this alteration remains unclear.

Labcorp Genetics (formerly Invitae), Labcorp
Classification: Uncertain significance for Haddad syndrome. Last evaluated: 2023-01-26. Review status: criteria provided, single submitter. Criteria: Invitae Variant Classification Sherloc (09022015). Collection method: clinical testing. Allele origin: germline.
Comment: This variant has not been reported in the literature in individuals affected with PHOX2B-related conditions. This variant is not present in population databases (gnomAD no frequency). This sequence change replaces proline, which is neutral and non-polar, with arginine, which is basic and polar, at codon 220 of the PHOX2B protein (p.Pro220Arg). In summary, the available evidence is currently insufficient to determine the role of this variant in disease. Therefore, it has been classified as a Variant of Uncertain Significance. Advanced modeling of protein sequence and biophysical properties (such as structural, functional, and spatial information, amino acid conservation, physicochemical variation, residue mobility, and thermodynamic stability) performed at Invitae indicates that this missense variant is not expected to disrupt PHOX2B protein function. ClinVar contains an entry for this variant (Variation ID: 938603).

NM_003924.4(PHOX2B):c.659C>G (p.Pro220Arg)

Gene: PHOX2B (paired like homeobox 2B; minus strand). Cytogenetic location: 4p13.
Variant type: single nucleotide variant.
Coding change: c.659C>G on transcript NM_003924.4 (MANE Select); coding-DNA position 659, C replaced by G.
Protein change: p.Pro220Arg; replaces proline 220 with arginine.
Molecular consequence: missense variant.
Genome position (GRCh38, 1-based): chr4:41,746,093, G>C on the plus strand (C>G on the coding strand, the complement: PHOX2B is on the minus strand). VCF-style: chr4-41746093-G-C. GRCh37 (hg19) VCF-style: chr4-41748110-G-C.
Other names: short protein forms P220R.
Identifiers: ClinVar variation 938603 (VCV000938603.13), dbSNP rs1733887201, ClinGen allele CA356737473.